The following is an entry in ClinVar:

NM_182493.3(MYLK3):c.1067T>G (p.Leu356Arg)

Gene: MYLK3 (myosin light chain kinase 3; minus strand). Cytogenetic location: 16q11.2.
Variant type: single nucleotide variant.
Coding change: c.1067T>G on transcript NM_182493.3 (MANE Select); coding-DNA position 1067, T replaced by G.
Protein change: p.Leu356Arg; replaces leucine 356 with arginine.
Molecular consequence: missense variant.
Genome position (GRCh38, 1-based): chr16:46,732,603, A>C on the plus strand (T>G on the coding strand, the complement: MYLK3 is on the minus strand). VCF-style: chr16-46732603-A-C. GRCh37 (hg19) VCF-style: chr16-46766515-A-C.
Other names: c.44T>G, p.Leu15Arg (NM_001308301.1); short protein forms L15R, L356R.
Identifiers: ClinVar variation 2128814 (VCV002128814.4), dbSNP rs2548906120, ClinGen allele CA395793052.

ClinVar aggregate classification (germline): Uncertain significance (1 of 4 stars; one submission).

Submission:

Labcorp Genetics (formerly Invitae), Labcorp
Classification: Uncertain significance. Last evaluated: 2022-10-17. Review status: criteria provided, single submitter. Criteria: Invitae Variant Classification Sherloc (09022015). Collection method: clinical testing. Allele origin: germline.
Comment: This sequence change replaces leucine, which is neutral and non-polar, with arginine, which is basic and polar, at codon 356 of the MYLK3 protein (p.Leu356Arg). In summary, the available evidence is currently insufficient to determine the role of this variant in disease. Therefore, it has been classified as a Variant of Uncertain Significance. Algorithms developed to predict the effect of missense changes on protein structure and function output the following: SIFT: "Tolerated"; PolyPhen-2: "Benign"; Align-GVGD: "Class C0". The arginine amino acid residue is found in multiple mammalian species, which suggests that this missense change does not adversely affect protein function. This variant has not been reported in the literature in individuals affected with MYLK3-related conditions. This variant is not present in population databases (gnomAD no frequency).